The following is an entry in ClinVar:

NM_001127222.2(CACNA1A):c.5158G>T (p.Val1720Leu)

Gene: CACNA1A (calcium voltage-gated channel subunit alpha1 A; minus strand). Cytogenetic location: 19p13.13.
Variant type: single nucleotide variant.
Coding change: c.5158G>T on transcript NM_001127222.2 (MANE Select); coding-DNA position 5158, G replaced by T.
Protein change: p.Val1720Leu; replaces valine 1720 with leucine.
Molecular consequence: missense variant.
Genome position (GRCh38, 1-based): chr19:13,235,012, C>A on the plus strand (G>T on the coding strand, the complement: CACNA1A is on the minus strand). VCF-style: chr19-13235012-C-A. GRCh37 (hg19) VCF-style: chr19-13345826-C-A.
Other names: c.5176G>T, p.Val1726Leu (NM_000068.4, NM_023035.3); c.5161G>T, p.Val1721Leu (NM_001127221.2); c.5167G>T, p.Val1723Leu (NM_001174080.2); short protein forms V1720L, V1721L, V1723L, V1726L.
Identifiers: ClinVar variation 3749334 (VCV003749334.2).

ClinVar aggregate classification (germline): Uncertain significance (1 of 4 stars; one submission).

Conditions:
Episodic ataxia type 2 (EA2). Also called: ACETAZOLAMIDE-RESPONSIVE HEREDITARY PAROXYSMAL CEREBELLAR ATAXIA; ATAXIA, EPISODIC, WITH NYSTAGMUS; ATAXIA, FAMILIAL PAROXYSMAL; CEREBELLAR ATAXIA, PAROXYSMAL, ACETAZOLAMIDE-RESPONSIVE; CEREBELLOPATHY, HEREDITARY PAROXYSMAL; EPISODIC ATAXIA, NYSTAGMUS-ASSOCIATED. Identifiers: Orphanet 97, MedGen C1720416, MONDO:0007163, OMIM 108500.
Developmental and epileptic encephalopathy, 42 (DEE42A). Also called: Epileptic encephalopathy, early infantile, 42; DEVELOPMENTAL AND EPILEPTIC ENCEPHALOPATHY 42A; EPILEPTIC ENCEPHALOPATHY, EARLY INFANTILE, 42A. Identifiers: MedGen C4310716, MONDO:0014917, OMIM 617106.

gnomAD v4.1: 2 of 1,613,510 alleles (0.00012%); highest among the groups gnomAD compares: Middle Eastern, 0.017%; no homozygotes.

Submission:

Labcorp Genetics (formerly Invitae), Labcorp
Classification: Uncertain significance for Developmental and epileptic encephalopathy, 42; Episodic ataxia type 2. Last evaluated: 2025-02-07. Review status: criteria provided, single submitter. Criteria: Invitae Variant Classification Sherloc (09022015). Collection method: clinical testing. Allele origin: germline.
Comment: This sequence change replaces valine, which is neutral and non-polar, with leucine, which is neutral and non-polar, at codon 1721 of the CACNA1A protein (p.Val1721Leu). This variant is not present in population databases (gnomAD no frequency). This variant has not been reported in the literature in individuals affected with CACNA1A-related conditions. Invitae Evidence Modeling of protein sequence and biophysical properties (such as structural, functional, and spatial information, amino acid conservation, physicochemical variation, residue mobility, and thermodynamic stability) indicates that this missense variant is not expected to disrupt CACNA1A protein function with a negative predictive value of 95%. In summary, the available evidence is currently insufficient to determine the role of this variant in disease. Therefore, it has been classified as a Variant of Uncertain Significance.